The following is an entry in ClinVar:

ClinVar aggregate classification (germline): Likely benign (1 of 4 stars; one submission).

gnomAD v4.1: 111 of 1,169,578 alleles (0.0095%); highest among the groups gnomAD compares: Non-Finnish European, 0.012%; no homozygotes.

Submission:

CeGaT Center for Human Genetics Tuebingen
Classification: Likely benign. Last evaluated: 2025-01-01. Review status: criteria provided, single submitter. Criteria: CeGaT Center For Human Genetics Tuebingen Variant Classification Criteria Version 2. Collection method: clinical testing. Allele origin: germline. Affected: yes. Observed: 1 variant allele.
Comment: VPS37D: BP4, BP7

NM_001077621.2(VPS37D):c.87C>T (p.Asp29=)

Gene: VPS37D (VPS37D subunit of ESCRT-I; plus strand). Cytogenetic location: 7q11.23.
Variant type: single nucleotide variant.
Coding change: c.87C>T on transcript NM_001077621.2 (MANE Select); coding-DNA position 87, C replaced by T.
Protein change: p.Asp29=; no amino-acid change (aspartic acid 29 retained).
Molecular consequence: synonymous variant.
Genome position (GRCh38, 1-based): chr7:73,668,045, C>T. VCF-style: chr7-73668045-C-T. GRCh37 (hg19) VCF-style: chr7-73082375-C-T.
Identifiers: ClinVar variation 3771120 (VCV003771120.13).
Genomic context (GRCh38, chr7:73,668,045, plus strand): 5'-GGGGCCGGAGCCCGGCAGCCCGGGGCGCTTTGGGATCCTCAGCACCGGGCAGCTCCGGGA[C>T]CTGCTTCAGGATGAGCCCAAGCTGGACCGGATCGTGCGGCTCAGCAGGAAGGTAGCGCGG-3'
Protein context (NP_001071089.1, residues 19-39): FGILSTGQLR[Asp29=]LLQDEPKLDR